The following is an entry in ClinVar:

ClinVar aggregate classification (germline): Uncertain significance (1 of 4 stars; one submission).

Conditions:
Myofibrillar myopathy 4. Also called: Zaspopathy (type). Identifiers: Orphanet 98912, MedGen C4721886, MONDO:0012277, OMIM 609452.

gnomAD v4.1: 10 of 1,613,162 alleles (0.00062%); highest among the groups gnomAD compares: African/African-American, 0.0013%; no homozygotes.

Submission:

Labcorp Genetics (formerly Invitae), Labcorp
Classification: Uncertain significance for Myofibrillar myopathy 4. Last evaluated: 2025-10-24. Review status: criteria provided, single submitter. Criteria: Invitae Variant Classification Sherloc (09022015). Collection method: clinical testing. Allele origin: germline.
Comment: The LDB3 gene has multiple clinically relevant transcripts. This variant occurs in alternate transcript NM_007078.3, and corresponds to NM_001080116.1:c.*7226G>A in the primary transcript. This sequence change affects codon 322 of the LDB3 mRNA. It is a 'silent' change, meaning that it does not change the encoded amino acid sequence of the LDB3 protein. This variant is present in population databases (no rsID available, gnomAD 0.007%). This variant has not been reported in the literature in individuals affected with LDB3-related conditions. Experimental studies and prediction algorithms are not available or were not evaluated, and the effect of this variant on mRNA splicing is currently unknown. In summary, the available evidence is currently insufficient to determine the role of this variant in disease. Therefore, it has been classified as a Variant of Uncertain Significance.

NM_007078.3(LDB3):c.966G>A (p.Gln322=)

Gene: LDB3 (LIM domain binding 3; plus strand). Cytogenetic location: 10q23.2.
Variant type: single nucleotide variant.
Coding change: c.966G>A on transcript NM_007078.3 (MANE Select); coding-DNA position 966, G replaced by A.
Protein change: p.Gln322=; no amino-acid change (glutamine 322 retained).
Molecular consequence: synonymous variant. On other transcripts: intron variant (4).
Genome position (GRCh38, 1-based): chr10:86,706,600, G>A. VCF-style: chr10-86706600-G-A. GRCh37 (hg19) VCF-style: chr10-88466357-G-A.
Other names: c.825G>A, p.Gln275= (NM_001368066.1); c.897-3305G>A (NM_001368064.1, NM_001368065.1); c.1101-3305G>A (NM_001171610.2); c.756-3305G>A (NM_001080114.2).
Identifiers: ClinVar variation 4807922 (VCV004807922.1).